The following is an entry in ClinVar:

ClinVar aggregate classification (germline): Uncertain significance (1 of 4 stars; one submission).

Conditions:
Autosomal recessive limb-girdle muscular dystrophy type R18 (LGMDR18). Also called: Autosomal recessive limb-girdle muscular dystrophy type 2S; MUSCULAR DYSTROPHY, LIMB-GIRDLE, AUTOSOMAL RECESSIVE 18; Limb-girdle muscular dystrophy, type 2S. Identifiers: Orphanet 369840, MedGen C4517996, MONDO:0014144, OMIM 615356.

Submission:

Labcorp Genetics (formerly Invitae), Labcorp
Classification: Uncertain significance for Autosomal recessive limb-girdle muscular dystrophy type R18. Last evaluated: 2024-02-03. Review status: criteria provided, single submitter. Criteria: Invitae Variant Classification Sherloc (09022015). Collection method: clinical testing. Allele origin: germline.
Comment: This sequence change replaces asparagine, which is neutral and polar, with isoleucine, which is neutral and non-polar, at codon 800 of the TRAPPC11 protein (p.Asn800Ile). This variant is present in population databases (no rsID available, gnomAD 0.003%). This variant has not been reported in the literature in individuals affected with TRAPPC11-related conditions. Advanced modeling of protein sequence and biophysical properties (such as structural, functional, and spatial information, amino acid conservation, physicochemical variation, residue mobility, and thermodynamic stability) has been performed at Invitae for this missense variant, however the output from this modeling did not meet the statistical confidence thresholds required to predict the impact of this variant on TRAPPC11 protein function. In summary, the available evidence is currently insufficient to determine the role of this variant in disease. Therefore, it has been classified as a Variant of Uncertain Significance.

NM_021942.6(TRAPPC11):c.2399A>T (p.Asn800Ile)

Genes: TRAPPC11 (trafficking protein particle complex subunit 11; plus strand), LOC126807238 (BRD4-independent group 4 enhancer GRCh37_chr4:184614366-184615565; plus strand). Cytogenetic location: 4q35.1.
Variant type: single nucleotide variant.
Coding change: c.2399A>T on transcript NM_021942.6 (MANE Select); coding-DNA position 2399, A replaced by T.
Protein change: p.Asn800Ile; replaces asparagine 800 with isoleucine.
Molecular consequence: missense variant.
Genome position (GRCh38, 1-based): chr4:183,693,929, A>T. VCF-style: chr4-183693929-A-T. GRCh37 (hg19) VCF-style: chr4-184615082-A-T.
Other names: c.2399A>T, p.Asn800Ile (NM_199053.3); short protein forms N800I.
Identifiers: ClinVar variation 3682948 (VCV003682948.2).
Genomic context (GRCh38, chr4:183,693,929, plus strand): 5'-ATAATGTTTGAATTCTTTGTTTTGAAGAACCAATATTAACTCTTTTAGGACAGGATGCCA[A>T]TTTAACTCAGAAGACTCACGTGACTCTTCATGGAACAGAACTGTGTGATGAATCCTACCC-3'
Protein context (NP_068761.4, residues 790-810): TAGLKPGQDA[Asn800Ile]LTQKTHVTLH